The following is an entry in ClinVar:

ClinVar aggregate classification (germline): Uncertain significance (0 of 4 stars; one submission).

Submission:

Richard Lifton Laboratory, Yale University School of Medicine
Classification: Uncertain significance. Review status: no assertion criteria provided. Collection method: not provided. Allele origin: somatic.
Comment: FAM53C
ClinVar note: Converted during submission from unknown to Uncertain significance.

NM_016605.3(FAM53C):c.490C>T (p.Pro164Ser)

Gene: FAM53C (family with sequence similarity 53 member C; plus strand). Cytogenetic location: 5q31.2.
Variant type: single nucleotide variant.
Coding change: c.490C>T on transcript NM_016605.3 (MANE Select); coding-DNA position 490, C replaced by T.
Protein change: p.Pro164Ser; replaces proline 164 with serine.
Molecular consequence: missense variant. On other transcripts: intron variant (1).
Genome position (GRCh38, 1-based): chr5:138,345,178, C>T. VCF-style: chr5-138345178-C-T. GRCh37 (hg19) VCF-style: chr5-137680867-C-T.
Other names: c.490C>T, p.Pro164Ser (NM_001135647.2); c.460C>T, p.Pro154Ser (NM_001350195.2); c.137-280C>T (NM_001350194.2); short protein forms P164S, P154S.
Identifiers: ClinVar variation 91932 (VCV000091932.2), dbSNP rs386352301, ClinGen allele CA232188.